The following is an entry in ClinVar:

ClinVar aggregate classification (germline): Uncertain significance (1 of 4 stars; one submission).

Conditions:
Ehlers-Danlos syndrome, classic type, 1 (EDSCL1). Also called: Ehlers-Danlos Syndrome, Classic Type, COL5A1-Related; EDS I; EHLERS-DANLOS SYNDROME, GRAVIS TYPE; EHLERS-DANLOS SYNDROME, SEVERE CLASSIC TYPE; Ehlers-Danlos syndrome, type 1. Identifiers: MedGen C0268335, MONDO:0019567, OMIM 130000.

gnomAD v4.1: 1 of 1,613,922 alleles (0.000062%); highest among the groups gnomAD compares: Non-Finnish European, 0.000085%; no homozygotes.

Submission:

Labcorp Genetics (formerly Invitae), Labcorp
Classification: Uncertain significance for Ehlers-Danlos syndrome, classic type, 1. Last evaluated: 2025-07-30. Review status: criteria provided, single submitter. Criteria: Invitae Variant Classification Sherloc (09022015). Collection method: clinical testing. Allele origin: germline.
Comment: This sequence change replaces asparagine, which is neutral and polar, with aspartic acid, which is acidic and polar, at codon 1454 of the COL5A2 protein (p.Asn1454Asp). This variant is not present in population databases (gnomAD no frequency). This variant has not been reported in the literature in individuals affected with COL5A2-related conditions. Invitae Evidence Modeling of protein sequence and biophysical properties (such as structural, functional, and spatial information, amino acid conservation, physicochemical variation, residue mobility, and thermodynamic stability) indicates that this missense variant is not expected to disrupt COL5A2 protein function with a negative predictive value of 80%. In summary, the available evidence is currently insufficient to determine the role of this variant in disease. Therefore, it has been classified as a Variant of Uncertain Significance.

NM_000393.5(COL5A2):c.4360A>G (p.Asn1454Asp)

Gene: COL5A2 (collagen type V alpha 2 chain; minus strand). Cytogenetic location: 2q32.2.
Variant type: single nucleotide variant.
Coding change: c.4360A>G on transcript NM_000393.5 (MANE Select); coding-DNA position 4360, A replaced by G.
Protein change: p.Asn1454Asp; replaces asparagine 1454 with aspartic acid.
Molecular consequence: missense variant.
Genome position (GRCh38, 1-based): chr2:189,034,210, T>C on the plus strand (A>G on the coding strand, the complement: COL5A2 is on the minus strand). VCF-style: chr2-189034210-T-C. GRCh37 (hg19) VCF-style: chr2-189898936-T-C.
Other names: short protein forms N1454D.
Identifiers: ClinVar variation 4805561 (VCV004805561.1).
Genomic context (GRCh38, chr2:189,034,210, plus strand): 5'-TGGGCAAGCGTGCCACATTCTGTGTTCTATATTCAAAGACAGTCTTGCCCACATTTCCAT[T>C]CCGCTTCTGAAATTAAATGATGCAATGGGTTAAATGTACATACAATTTTTTCCAAGTATG-3'
Protein context (NP_000384.2, residues 1444-1464): IVLQDTCSKR[Asn1454Asp]GNVGKTVFEY